The following is an entry in ClinVar:

ClinVar aggregate classification (germline): Benign/Likely benign (0 of 4 stars; one submission).

Submission:

ISCA Site 6
Classification: Benign/Likely benign. Review status: no assertion criteria provided. Collection method: clinical testing. Allele origin: unknown. Affected: yes. Observed: 10 variant alleles. Clinical features observed: Developmental delay AND/OR other significant developmental or morphological phenotypes.
Comment: Likely benign (1), Benign (9)

Copy number variation identified through the course of routine clinical cytogenomic testing in postnatal populations, with clinical assertions as classified by the original submitter. For data from the original published study, Kaminsky, et al. 2011 (PubMed 21844811), please see nstd101.

GRCh37/hg19 12p13.33(chr12:148034-176816)x3

Gene: IQSEC3 (IQ motif and Sec7 domain ArfGEF 3; plus strand). Cytogenetic location: 12p13.33.
Variant type: copy number gain.
Change: copy number 3 (three copies instead of two) of chr12:148,034-176,816 (28.8 kb, GRCh37 coordinates, 1-based), cytogenetic band 12p13.33.
Identifiers: ClinVar variation 395411 (VCV000395411.3).